The following is an entry in ClinVar:

ClinVar aggregate classification (germline): Uncertain significance (1 of 4 stars; one submission).

Allele frequency attached by ClinVar (database versions not stated): gnomAD exomes below 0.00001; ExAC 0.00001.
gnomAD v4.1: 5 of 1,613,474 alleles (0.00031%); highest among the groups gnomAD compares: Non-Finnish European, 0.00034%; no homozygotes.

Submission:

Labcorp Genetics (formerly Invitae), Labcorp
Classification: Uncertain significance. Last evaluated: 2025-01-06. Review status: criteria provided, single submitter. Criteria: Invitae Variant Classification Sherloc (09022015). Collection method: clinical testing. Allele origin: germline.
Comment: This sequence change replaces isoleucine, which is neutral and non-polar, with valine, which is neutral and non-polar, at codon 2493 of the PCLO protein (p.Ile2493Val). This variant is present in population databases (rs757475388, gnomAD 0.0009%). This variant has not been reported in the literature in individuals affected with PCLO-related conditions. ClinVar contains an entry for this variant (Variation ID: 1432183). An algorithm developed to predict the effect of missense changes on protein structure and function outputs the following: PolyPhen-2: "Not Available". The valine amino acid residue is found in multiple mammalian species, which suggests that this missense change does not adversely affect protein function. In summary, the available evidence is currently insufficient to determine the role of this variant in disease. Therefore, it has been classified as a Variant of Uncertain Significance.

NM_033026.6(PCLO):c.7477A>G (p.Ile2493Val)

Gene: PCLO (piccolo presynaptic cytomatrix protein; minus strand). Cytogenetic location: 7q21.11.
Variant type: single nucleotide variant.
Coding change: c.7477A>G on transcript NM_033026.6 (MANE Select); coding-DNA position 7477, A replaced by G.
Protein change: p.Ile2493Val; replaces isoleucine 2493 with valine.
Molecular consequence: missense variant.
Genome position (GRCh38, 1-based): chr7:82,953,476, T>C on the plus strand (A>G on the coding strand, the complement: PCLO is on the minus strand). VCF-style: chr7-82953476-T-C. GRCh37 (hg19) VCF-style: chr7-82582792-T-C.
Other names: c.7477A>G, p.Ile2493Val (NM_014510.3); short protein forms I2493V.
Identifiers: ClinVar variation 1432183 (VCV001432183.8), dbSNP rs757475388, ClinGen allele CA4320294.